The following is an entry in ClinVar:

NM_001267550.2(TTN):c.43255G>A (p.Val14419Ile)

Gene: TTN (titin; minus strand). Cytogenetic location: 2q31.2.
Variant type: single nucleotide variant.
Coding change: c.43255G>A on transcript NM_001267550.2 (MANE Select); coding-DNA position 43255, G replaced by A.
Protein change: p.Val14419Ile; replaces valine 14419 with isoleucine.
Molecular consequence: missense variant.
Genome position (GRCh38, 1-based): chr2:178,632,751, C>T on the plus strand (G>A on the coding strand, the complement: TTN is on the minus strand). VCF-style: chr2-178632751-C-T. GRCh37 (hg19) VCF-style: chr2-179497478-C-T.
Other names: c.38332G>A, p.Val12778Ile (NM_001256850.1); c.16060G>A, p.Val5354Ile (NM_003319.4); c.35551G>A, p.Val11851Ile (NM_133378.4); c.16435G>A, p.Val5479Ile (NM_133432.3); c.16636G>A, p.Val5546Ile (NM_133437.4); short protein forms V14419I, V5354I, V11851I, V5479I, V5546I, V12778I.
Identifiers: ClinVar variation 518970 (VCV000518970.46), dbSNP rs529018517, ClinGen allele CA1995904.

ClinVar aggregate classification (germline): Conflicting classifications of pathogenicity. Review status: criteria provided, conflicting classifications (1 of 4 stars). 8 submissions from 8 submitters: Uncertain significance (2); Benign (1); Likely benign (4). 1 of the submissions does not count toward it. Last evaluated 2026-06-30.

Conditions:
Dilated cardiomyopathy 1G (CMD1G). Identifiers: Orphanet 154, MedGen C1858763, MONDO:0011400, OMIM 604145.
Autosomal recessive limb-girdle muscular dystrophy type 2J (LGMDR10). Also called: MUSCULAR DYSTROPHY, LIMB-GIRDLE, AUTOSOMAL RECESSIVE 10; Limb-girdle muscular dystrophy, type 2J. Identifiers: Orphanet 140922, MedGen C1837342, MONDO:0012127, OMIM 608807.
Cardiovascular phenotype. Identifiers: MedGen CN230736.
TTN-related disorder. Also called: TTN-related condition; TTN-related disease; TTN-related disorders.

Allele frequency attached by ClinVar (database versions not stated): gnomAD below 0.00001 and 0.00009; TOPMed 0.00001; gnomAD exomes 0.00011 and 0.00019; ExAC 0.00022; 1000 Genomes Project 30x 0.00047; 1000 Genomes Project 0.00060.
gnomAD v4.1: 169 of 1,613,156 alleles (0.01%); highest among the groups gnomAD compares: South Asian, 0.18%; 3 homozygotes.

Submissions (8):

Women's Health and Genetics/Laboratory Corporation of America, LabCorp
Classification: Likely benign. Last evaluated: 2026-06-30. Review status: criteria provided, single submitter. Criteria: LabCorp Variant Classification Summary - May 2015. Collection method: clinical testing. Allele origin: germline.
Comment: Variant summary: TTN c.35551G>A (p.Val11851Ile) results in a conservative amino acid change in the encoded protein sequence. Algorithms developed to predict the effect of missense changes on protein structure and function are either unavailable or do not agree on the potential impact of this missense change. The variant allele was found at a frequency of 0.00019 in 247622 control chromosomes, predominantly at a frequency of 0.0016 within the South Asian subpopulation in the gnomAD database. The observed variant frequency within South Asian control individuals in the gnomAD database exceeds the estimated maximal expected allele frequency for disease-causing variants in TTN. To our knowledge, no occurrence of c.35551G>A in individuals affected with TTN-related conditions and no experimental evidence demonstrating its impact on protein function have been reported. ClinVar contains an entry for this variant (Variation ID: 518970). Based on the evidence outlined above, the variant was classified as likely benign.

Labcorp Genetics (formerly Invitae), Labcorp
Classification: Likely benign for Dilated cardiomyopathy 1G; Autosomal recessive limb-girdle muscular dystrophy type 2J. Last evaluated: 2025-12-16. Review status: criteria provided, single submitter. Criteria: Invitae Variant Classification Sherloc (09022015). Collection method: clinical testing. Allele origin: germline.

Blueprint Genetics
Classification: Likely benign. Last evaluated: 2024-11-21. Review status: criteria provided, single submitter. Criteria: ACMG Guidelines, 2015. Collection method: clinical testing. Allele origin: germline.

CeGaT Center for Human Genetics Tuebingen
Classification: Uncertain significance. Last evaluated: 2024-04-01. Review status: criteria provided, single submitter. Criteria: CeGaT Center For Human Genetics Tuebingen Variant Classification Criteria Version 2. Collection method: clinical testing. Allele origin: germline. Affected: yes. Observed: 1 variant allele.

Ambry Genetics
Classification: Benign for Cardiovascular phenotype. Last evaluated: 2020-07-02. Review status: criteria provided, single submitter. Criteria: Ambry Variant Classification Scheme 2023. Collection method: clinical testing. Allele origin: germline.

Mayo Clinic Laboratories, Mayo Clinic
Classification: Uncertain significance. Last evaluated: 2020-03-13. Review status: criteria provided, single submitter. Criteria: ACMG Guidelines, 2015. Collection method: clinical testing. Allele origin: germline. Observed: 1 variant allele.

GeneDx
Classification: Likely benign. Last evaluated: 2018-08-29. Review status: criteria provided, single submitter. Criteria: GeneDx Variant Classification Process June 2021. Collection method: clinical testing. Allele origin: germline. Affected: yes.

PreventionGenetics, part of Exact Sciences
Classification: Likely benign for TTN-related condition. Last evaluated: 2022-09-07. Review status: no assertion criteria provided. Collection method: clinical testing. Allele origin: germline. Not counted in ClinVar's aggregate classification.
Comment: This variant is classified as likely benign based on ACMG/AMP sequence variant interpretation guidelines (Richards et al. 2015 PMID: 25741868, with internal and published modifications).